The following is an entry in ClinVar:

NM_004415.4(DSP):c.184A>T (p.Met62Leu)

Gene: DSP (desmoplakin; plus strand). Cytogenetic location: 6p24.3.
Variant type: single nucleotide variant.
Coding change: c.184A>T on transcript NM_004415.4 (MANE Select); coding-DNA position 184, A replaced by T.
Protein change: p.Met62Leu; replaces methionine 62 with leucine.
Molecular consequence: missense variant.
Genome position (GRCh38, 1-based): chr6:7,555,731, A>T. VCF-style: chr6-7555731-A-T. GRCh37 (hg19) VCF-style: chr6-7555964-A-T.
Other names: c.184A>T, p.Met62Leu (NM_001008844.3, NM_001319034.2, NM_001406591.1); short protein forms M62L.
Identifiers: ClinVar variation 3757260 (VCV003757260.2).

ClinVar aggregate classification (germline): Uncertain significance (1 of 4 stars; one submission).

Conditions:
Arrhythmogenic right ventricular dysplasia 8 (ARVD8). Also called: Arrhythmogenic Right Ventricular Dysplasia/Cardiomyopathy 8; ARRHYTHMOGENIC RIGHT VENTRICULAR DYSPLASIA, FAMILIAL, 8; ARRHYTHMOGENIC RIGHT VENTRICULAR CARDIOMYOPATHY 8. Identifiers: MedGen C1843896, MONDO:0011831, OMIM 607450.
Arrhythmogenic cardiomyopathy with wooly hair and keratoderma. Also called: PALMOPLANTAR KERATODERMA WITH LEFT VENTRICULAR CARDIOMYOPATHY AND WOOLLY HAIR; Carvajal syndrome; Dilated cardiomyopathy with woolly hair and keratoderma; Arrhythmogenic cardiomyopathy with woolly hair and keratoderma. Identifiers: Orphanet 65282, MedGen C1854063, MONDO:0011581, OMIM 605676.

Submission:

Labcorp Genetics (formerly Invitae), Labcorp
Classification: Uncertain significance for Arrhythmogenic cardiomyopathy with wooly hair and keratoderma; Arrhythmogenic right ventricular dysplasia 8. Last evaluated: 2024-07-16. Review status: criteria provided, single submitter. Criteria: Invitae Variant Classification Sherloc (09022015). Collection method: clinical testing. Allele origin: germline.
Comment: This sequence change replaces methionine, which is neutral and non-polar, with leucine, which is neutral and non-polar, at codon 62 of the DSP protein (p.Met62Leu). This variant is not present in population databases (gnomAD no frequency). This variant has not been reported in the literature in individuals affected with DSP-related conditions. An algorithm developed to predict the effect of missense changes on protein structure and function (PolyPhen-2) suggests that this variant is likely to be tolerated. In summary, the available evidence is currently insufficient to determine the role of this variant in disease. Therefore, it has been classified as a Variant of Uncertain Significance.